The following is an entry in ClinVar:

NM_000257.4(MYH7):c.1241G>C (p.Gly414Ala)

Gene: MYH7 (myosin heavy chain 7; minus strand). Cytogenetic location: 14q11.2.
Variant type: single nucleotide variant.
Coding change: c.1241G>C on transcript NM_000257.4 (MANE Select); coding-DNA position 1241, G replaced by C.
Protein change: p.Gly414Ala; replaces glycine 414 with alanine.
Molecular consequence: missense variant.
Genome position (GRCh38, 1-based): chr14:23,429,245, C>G on the plus strand (G>C on the coding strand, the complement: MYH7 is on the minus strand). VCF-style: chr14-23429245-C-G. GRCh37 (hg19) VCF-style: chr14-23898454-C-G.
Other names: c.1241G>C, p.Gly414Ala (NM_001407004.1); short protein forms G414A.
Identifiers: ClinVar variation 4075715 (VCV004075715.1).

ClinVar aggregate classification (germline): Uncertain significance (1 of 4 stars; one submission).

Submission:

GeneDx
Classification: Uncertain significance. Last evaluated: 2025-02-15. Review status: criteria provided, single submitter. Criteria: GeneDx Variant Classification Process June 2021. Collection method: clinical testing. Allele origin: germline. Affected: yes.
Comment: Not observed at significant frequency in large population cohorts (gnomAD); In silico analysis supports that this missense variant has a deleterious effect on protein structure/function; Has not been previously published as pathogenic or benign to our knowledge; This variant is associated with the following publications: (PMID: 27532257, 29300372)